The following is an entry in ClinVar:

ClinVar aggregate classification (germline): Uncertain significance. Review status: criteria provided, multiple submitters, no conflicts (2 of 4 stars). 3 submissions from 3 submitters: Uncertain significance (3). Last evaluated 2025-07-21.

Conditions:
Familial adenomatous polyposis 1 (FAP1). Also called: POLYPOSIS, ADENOMATOUS INTESTINAL; FAMILIAL ADENOMATOUS POLYPOSIS 1, ATTENUATED. Identifiers: MedGen C2713442, MONDO:0021056, OMIM 175100. Disease mechanism: loss of function.
Hereditary cancer-predisposing syndrome. Also called: Hereditary Cancer Syndrome; Neoplastic Syndromes, Hereditary; Tumor predisposition; Hereditary neoplastic syndrome. Identifiers: Orphanet 140162, MedGen C0027672, MeSH D009386, MONDO:0015356.

Allele frequency attached by ClinVar (database versions not stated): gnomAD exomes below 0.00001.
gnomAD v4.1: 2 of 1,613,332 alleles (0.00012%); highest among the groups gnomAD compares: Non-Finnish European, 0.00017%; no homozygotes.

Submissions (3):

Labcorp Genetics (formerly Invitae), Labcorp
Classification: Uncertain significance for Familial adenomatous polyposis 1. Last evaluated: 2025-07-21. Review status: criteria provided, single submitter. Criteria: Invitae Variant Classification Sherloc (09022015). Collection method: clinical testing. Allele origin: germline.
Comment: This sequence change replaces serine, which is neutral and polar, with asparagine, which is neutral and polar, at codon 2601 of the APC protein (p.Ser2601Asn). This variant is not present in population databases (gnomAD no frequency). This variant has not been reported in the literature in individuals affected with APC-related conditions. ClinVar contains an entry for this variant (Variation ID: 490364). Invitae Evidence Modeling of protein sequence and biophysical properties (such as structural, functional, and spatial information, amino acid conservation, physicochemical variation, residue mobility, and thermodynamic stability) indicates that this missense variant is not expected to disrupt APC protein function with a negative predictive value of 95%. In summary, the available evidence is currently insufficient to determine the role of this variant in disease. Therefore, it has been classified as a Variant of Uncertain Significance.

Color Diagnostics, LLC DBA Color Health
Classification: Uncertain significance for Hereditary cancer-predisposing syndrome. Last evaluated: 2025-03-24. Review status: criteria provided, single submitter. Criteria: ACMG Guidelines, 2015. Collection method: clinical testing. Allele origin: germline.
Comment: This missense variant replaces serine with asparagine at codon 2601 of the APC protein. Computational prediction suggests that this variant may not impact protein structure and function (internally defined REVEL score threshold <= 0.5, PMID: 27666373). To our knowledge, functional studies have not been reported for this variant. This variant has not been reported in individuals affected with APC-related disorders in the literature. This variant has not been identified in the general population by the Genome Aggregation Database (gnomAD). The available evidence is insufficient to determine the role of this variant in disease conclusively. Therefore, this variant is classified as a Variant of Uncertain Significance.

Ambry Genetics
Classification: Uncertain significance for Hereditary cancer-predisposing syndrome. Last evaluated: 2024-12-30. Review status: criteria provided, single submitter. Criteria: Ambry Variant Classification Scheme 2023. Collection method: clinical testing. Allele origin: germline.
Comment: The p.S2601N variant (also known as c.7802G>A), located in coding exon 15 of the APC gene, results from a G to A substitution at nucleotide position 7802. The serine at codon 2601 is replaced by asparagine, an amino acid with highly similar properties. This amino acid position is poorly conserved in available vertebrate species. In addition, in silico predictors for this gene do not accurately predict pathogenicity. Missense alterations in APC are not a common cause of disease (Spier I et al. Genet Med. 2024 Feb;26(2):100992). Based on the available evidence, the clinical significance of this variant remains unclear.

NM_000038.6(APC):c.7802G>A (p.Ser2601Asn)

Gene: APC (APC regulator of Wnt signaling pathway; plus strand). Cytogenetic location: 5q22.2.
Variant type: single nucleotide variant.
Coding change: c.7802G>A on transcript NM_000038.6 (MANE Select); coding-DNA position 7802, G replaced by A.
Protein change: p.Ser2601Asn; replaces serine 2601 with asparagine.
Molecular consequence: missense variant.
Genome position (GRCh38, 1-based): chr5:112,843,396, G>A. VCF-style: chr5-112843396-G-A. GRCh37 (hg19) VCF-style: chr5-112179093-G-A.
Other names: c.7802G>A, p.Ser2601Asn (NM_001127510.3, NM_001354895.2); c.7748G>A, p.Ser2583Asn (NM_001127511.3); c.7856G>A, p.Ser2619Asn (NM_001354896.2); c.7832G>A, p.Ser2611Asn (NM_001354897.2); c.7727G>A, p.Ser2576Asn (NM_001354898.2); c.7718G>A, p.Ser2573Asn (NM_001354899.2); c.7679G>A, p.Ser2560Asn (NM_001354900.2); c.7625G>A, p.Ser2542Asn (NM_001354901.2); and 5 more; short protein forms S2583N, S2601N, S2500N, S2542N, S2611N, S2619N, S2318N, S2441N.
Identifiers: ClinVar variation 490364 (VCV000490364.20), dbSNP rs1554088668, ClinGen allele CA16038277.
Genomic context (GRCh38, chr5:112,843,396, plus strand): 5'-GTGAAAAAGCAAAAAGTGAGGATGAAAAACATGTGAACTCTATTTCAGGAACCAAACAAA[G>A]TAAAGAAAACCAAGTATCCGCAAAAGGAACATGGAGAAAAATAAAAGAAAATGAATTTTC-3'
Protein context (NP_000029.2, residues 2591-2611): HVNSISGTKQ[Ser2601Asn]KENQVSAKGT